The following is an entry in ClinVar:

ClinVar aggregate classification (germline): Uncertain significance (1 of 4 stars; one submission).

Conditions:
Primary ciliary dyskinesia. Also called: Ciliary dyskinesia. Identifiers: Orphanet 244, MedGen C0008780, MONDO:0016575, HP:0012265.

Submission:

Labcorp Genetics (formerly Invitae), Labcorp
Classification: Uncertain significance for Primary ciliary dyskinesia. Last evaluated: 2021-04-23. Review status: criteria provided, single submitter. Criteria: Invitae Variant Classification Sherloc (09022015). Collection method: clinical testing. Allele origin: germline.
Comment: In summary, the available evidence is currently insufficient to determine the role of this variant in disease. Therefore, it has been classified as a Variant of Uncertain Significance. Algorithms developed to predict the effect of missense changes on protein structure and function are either unavailable or do not agree on the potential impact of this missense change (SIFT: "Deleterious"; PolyPhen-2: "Benign"; Align-GVGD: "Class C0"). This variant has not been reported in the literature in individuals with DNAI2-related conditions. This variant is not present in population databases (ExAC no frequency). This sequence change replaces glycine with cysteine at codon 523 of the DNAI2 protein (p.Gly523Cys). The glycine residue is moderately conserved and there is a large physicochemical difference between glycine and cysteine.

NM_023036.6(DNAI2):c.1567G>T (p.Gly523Cys)

Gene: DNAI2 (dynein axonemal intermediate chain 2; plus strand). Cytogenetic location: 17q25.1.
Variant type: single nucleotide variant.
Coding change: c.1567G>T on transcript NM_023036.6 (MANE Select); coding-DNA position 1567, G replaced by T.
Protein change: p.Gly523Cys; replaces glycine 523 with cysteine.
Molecular consequence: missense variant. On other transcripts: non-coding transcript variant (1).
Genome position (GRCh38, 1-based): chr17:74,312,075, G>T. VCF-style: chr17-74312075-G-T. GRCh37 (hg19) VCF-style: chr17-72308214-G-T.
Other names: c.1531G>T, p.Gly511Cys (NM_001172810.3); c.1567G>T, p.Gly523Cys (NM_001353167.2); short protein forms G523C, G511C.
Identifiers: ClinVar variation 1393304 (VCV001393304.8), dbSNP rs2053558785, ClinGen allele CA400913347.
Genomic context (GRCh38, chr17:74,312,075, plus strand): 5'-GAGACCCGGCGAGAGAAGATCCTGGAGGCCAGGCACCGGGAGATGCGGCTGAAGGAGAAG[G>T]GTAAGGCGGAGGGCAGGGATGAGGAGCAGACCGATGAGGAGCTGGCCGTAGACCTGGAGG-3'
Protein context (NP_075462.3, residues 513-533): RHREMRLKEK[Gly523Cys]KAEGRDEEQT